The following is an entry in ClinVar:

ClinVar aggregate classification (germline): Pathogenic. Review status: criteria provided, multiple submitters, no conflicts (2 of 4 stars). 2 submissions from 2 submitters: Pathogenic (2). Last evaluated 2026-05-28.

Conditions:
Colorectal cancer, hereditary nonpolyposis, type 7. Identifiers: Orphanet 144, MedGen C1858380, MONDO:0013725, OMIM 614385.

Submissions (2):

Ambry Genetics
Classification: Pathogenic. Last evaluated: 2026-05-28. Review status: criteria provided, single submitter. Criteria: Ambry Variant Classification Scheme 2023. Collection method: clinical testing. Allele origin: germline.
Comment: The c.1008_1009delCT pathogenic mutation, located in coding exon 1 of the MLH3 gene, results from a deletion of two nucleotides at nucleotide positions 1008 to 1009, causing a translational frameshift with a predicted alternate stop codon (p.L337Vfs*23). This variant is considered to be rare based on population cohorts in the Genome Aggregation Database (gnomAD). This alteration is expected to result in loss of function by premature protein truncation or nonsense-mediated mRNA decay. As such, this alteration is interpreted as a disease-causing mutation.

Myriad Genetics, Inc.
Classification: Pathogenic for Colorectal cancer, hereditary nonpolyposis, type 7. Last evaluated: 2026-05-14. Review status: criteria provided, single submitter. Criteria: Myriad Autosomal Dominant, Autosomal Recessive and X-Linked Classification Criteria (2023). Collection method: clinical testing. Allele origin: unknown.
Comment: This variant is considered pathogenic. This variant creates a frameshift predicted to result in premature protein truncation.

NM_001040108.2(MLH3):c.1008_1009del (p.Leu337fs)

Gene: MLH3 (mutL homolog 3; minus strand). Cytogenetic location: 14q24.3.
Variant type: Microsatellite.
Coding change: c.1008_1009del on transcript NM_001040108.2 (MANE Select); coding-DNA positions 1008 to 1009, 2 bases deleted (CT; older notation c.1008_1009delCT).
Protein change: p.Leu337fs; shifts the reading frame from leucine 337.
Molecular consequence: frameshift variant.
Genome position (GRCh38, 1-based): chr14:75,048,647-75,048,648, AG deleted on the plus strand (CT on the coding strand, the reverse complement: MLH3 is on the minus strand); deleting any 2 consecutive bases within chr14:75,048,647-75,048,652 gives the same sequence; the c. name uses the placement nearest the transcript's 3' end. VCF-style (leftmost placement, unchanged base first): chr14-75048646-AAG-A. GRCh37 (hg19) VCF-style: chr14-75515349-AAG-A.
Other names: c.1004_1005CT[2], p.Leu337Valfs (NM_001040108.1); c.1008_1009del, p.Leu337fs (NM_014381.3); c.1008_1009delCT (NM_001040108.1); short protein forms L337fs.
Identifiers: ClinVar variation 2448628 (VCV002448628.4), dbSNP rs1892438756, ClinGen allele CA964772051.
Genomic context (GRCh38, chr14:75,048,646, plus strand): 5'-AATTCCACAAATAATTTTTCTTGCTTTAAAAACATTTTCACTCCTTCCTGAATGCAAAAC[AAG>A]AGAGTGTCCCAGTTCTGAAATTCAATCAGAGTTTTGGCTGGCTCCATGCACACATCATAC-3'